The following is an entry in ClinVar:

NM_001199397.3(NEK1):c.3772A>G (p.Ile1258Val)

Gene: NEK1 (NIMA related kinase 1; minus strand). Cytogenetic location: 4q33.
Variant type: single nucleotide variant.
Coding change: c.3772A>G on transcript NM_001199397.3 (MANE Select); coding-DNA position 3772, A replaced by G.
Protein change: p.Ile1258Val; replaces isoleucine 1258 with valine.
Molecular consequence: missense variant. On other transcripts: non-coding transcript variant (1).
Genome position (GRCh38, 1-based): chr4:169,400,300, T>C on the plus strand (A>G on the coding strand, the complement: NEK1 is on the minus strand). VCF-style: chr4-169400300-T-C. GRCh37 (hg19) VCF-style: chr4-170321451-T-C.
Other names: c.3688A>G (NM_012224.2); c.3640A>G, p.Ile1214Val (NM_001199398.3); c.3481A>G, p.Ile1161Val (NM_001199399.3); c.3556A>G, p.Ile1186Val (NM_001199400.3); c.3772A>G, p.Ile1258Val (NM_001374418.1); c.3688A>G, p.Ile1230Val (NM_001374419.1, NM_012224.4); c.3637A>G, p.Ile1213Val (NM_001374420.1); c.3289A>G, p.Ile1097Val (NM_001374421.1); short protein forms I1097V, I1186V, I1214V, I1258V, I1161V, I1230V, I1213V.
Identifiers: ClinVar variation 2075290 (VCV002075290.5), dbSNP rs1263099891, ClinGen allele CA358799791.
Genomic context (GRCh38, chr4:169,400,300, plus strand): 5'-CATCTGCCATGACTAAATGAAGAATCTTGGCATAAAGATGCTGATGTTCATTTCCCAAAA[T>C]ATTTTGAACTATTTTTGAACAAATTTCAATATTTTCATCTTCATCTTCATGAATAGCCTA-3'
Protein context (NP_001186326.1, residues 1248-1268): IEICSKIVQN[Ile1258Val]LGNEHQHLYA

ClinVar aggregate classification (germline): Uncertain significance. Review status: criteria provided, multiple submitters, no conflicts (2 of 4 stars). 2 submissions from 2 submitters: Uncertain significance (2). Last evaluated 2025-01-27.

Conditions:
Inborn genetic diseases. Identifiers: MedGen C0950123, MeSH D030342.
Short-rib thoracic dysplasia 6 with or without polydactyly (SRTD6). Also called: Majewski Syndrome; SHORT RIB-POLYDACTYLY SYNDROME, TYPE IIA; SHORT-RIB THORACIC DYSPLASIA 6 WITH POLYDACTYLY; SHORT-RIB THORACIC DYSPLASIA 6 WITHOUT POLYDACTYLY; POLYDACTYLY WITH NEONATAL CHONDRODYSTROPHY, TYPE II. Identifiers: MedGen C0024507, MONDO:0009894, OMIM 263520.

Allele frequency attached by ClinVar (database versions not stated): gnomAD exomes below 0.00001; TOPMed below 0.00001; gnomAD 0.00002.
gnomAD v4.1: 9 of 1,550,234 alleles (0.00058%); highest among the groups gnomAD compares: Admixed American, 0.017%; no homozygotes.

Submissions (2):

Labcorp Genetics (formerly Invitae), Labcorp
Classification: Uncertain significance for Short-rib thoracic dysplasia 6 with or without polydactyly. Last evaluated: 2025-01-27. Review status: criteria provided, single submitter. Criteria: Invitae Variant Classification Sherloc (09022015). Collection method: clinical testing. Allele origin: germline.
Comment: This sequence change replaces isoleucine, which is neutral and non-polar, with valine, which is neutral and non-polar, at codon 1230 of the NEK1 protein (p.Ile1230Val). This variant is present in population databases (no rsID available, gnomAD 0.02%). This variant has not been reported in the literature in individuals affected with NEK1-related conditions. ClinVar contains an entry for this variant (Variation ID: 2075290). Invitae Evidence Modeling of protein sequence and biophysical properties (such as structural, functional, and spatial information, amino acid conservation, physicochemical variation, residue mobility, and thermodynamic stability) indicates that this missense variant is not expected to disrupt NEK1 protein function with a negative predictive value of 80%. In summary, the available evidence is currently insufficient to determine the role of this variant in disease. Therefore, it has been classified as a Variant of Uncertain Significance.

Ambry Genetics
Classification: Uncertain significance for Inborn genetic diseases. Last evaluated: 2025-01-20. Review status: criteria provided, single submitter. Criteria: Ambry Variant Classification Scheme 2023. Collection method: clinical testing. Allele origin: germline.